The following is an entry in ClinVar:

NM_004104.5(FASN):c.5846T>C (p.Leu1949Pro)

Gene: FASN (fatty acid synthase; minus strand). Cytogenetic location: 17q25.3.
Variant type: single nucleotide variant.
Coding change: c.5846T>C on transcript NM_004104.5 (MANE Select); coding-DNA position 5846, T replaced by C.
Protein change: p.Leu1949Pro; replaces leucine 1949 with proline.
Molecular consequence: missense variant.
Genome position (GRCh38, 1-based): chr17:82,082,600, A>G on the plus strand (T>C on the coding strand, the complement: FASN is on the minus strand). VCF-style: chr17-82082600-A-G. GRCh37 (hg19) VCF-style: chr17-80040476-A-G.
Other names: short protein forms L1949P.
Identifiers: ClinVar variation 1381604 (VCV001381604.8), dbSNP rs767568778, ClinGen allele CA8851534.

ClinVar aggregate classification (germline): Uncertain significance (1 of 4 stars; one submission).

Conditions:
Epileptic encephalopathy. Identifiers: MedGen C0543888, HP:0200134.

Allele frequency attached by ClinVar (database versions not stated): gnomAD exomes below 0.00001 and 0.00001; ExAC 0.00001; gnomAD 0.00001; TOPMed 0.00004.
gnomAD v4.1: 4 of 1,610,562 alleles (0.00025%); highest among the groups gnomAD compares: African/African-American, 0.004%; no homozygotes.

Submission:

Labcorp Genetics (formerly Invitae), Labcorp
Classification: Uncertain significance for Epileptic encephalopathy. Last evaluated: 2025-10-27. Review status: criteria provided, single submitter. Criteria: Invitae Variant Classification Sherloc (09022015). Collection method: clinical testing. Allele origin: germline.
Comment: This sequence change replaces leucine, which is neutral and non-polar, with proline, which is neutral and non-polar, at codon 1949 of the FASN protein (p.Leu1949Pro). This variant is present in population databases (rs767568778, gnomAD 0.02%). This variant has not been reported in the literature in individuals affected with FASN-related conditions. ClinVar contains an entry for this variant (Variation ID: 1381604). An algorithm developed to predict the effect of missense changes on protein structure and function outputs the following: PolyPhen-2: "Benign". The proline amino acid residue is found in multiple mammalian species, which suggests that this missense change does not adversely affect protein function. In summary, the available evidence is currently insufficient to determine the role of this variant in disease. Therefore, it has been classified as a Variant of Uncertain Significance.